The following is an entry in ClinVar:

ClinVar aggregate classification (germline): Likely benign (1 of 4 stars; one submission).

Allele frequency attached by ClinVar (database versions not stated): ESP Exome Variant Server 0.00019; ExAC 0.00022; TOPMed 0.00025; gnomAD 0.00028; gnomAD exomes 0.00044.
gnomAD v4.1: 534 of 1,193,428 alleles (0.045%); highest among the groups gnomAD compares: Non-Finnish European, 0.055%; no homozygotes.

Submission:

CeGaT Center for Human Genetics Tuebingen
Classification: Likely benign. Last evaluated: 2022-04-01. Review status: criteria provided, single submitter. Criteria: CeGaT Center For Human Genetics Tuebingen Variant Classification Criteria Version 2. Collection method: clinical testing. Allele origin: germline. Affected: yes. Observed: 1 variant allele.
Comment: PLXNB3: BP4

NM_005393.3(PLXNB3):c.39C>G (p.His13Gln)

Genes: PLXNB3 (plexin B3; plus strand), PLXNB3-AS1 (PLXNB3 antisense RNA 1; minus strand). Cytogenetic location: Xq28.
Variant type: single nucleotide variant.
Coding change: c.39C>G on transcript NM_005393.3 (MANE Select); coding-DNA position 39, C replaced by G.
Protein change: p.His13Gln; replaces histidine 13 with glutamine.
Molecular consequence: missense variant. On other transcripts: 5 prime UTR variant (1).
Genome position (GRCh38, 1-based): chrX:153,765,574, C>G. VCF-style: chrX-153765574-C-G. GRCh37 (hg19) VCF-style: chrX-153031029-C-G.
Other names: c.-59C>G (NM_001163257.2); short protein forms H13Q.
Identifiers: ClinVar variation 2661716 (VCV002661716.24), dbSNP rs141960270, ClinGen allele CA10550452.